The following is an entry in ClinVar:

ClinVar aggregate classification (germline): Uncertain significance (1 of 4 stars; one submission).

Conditions:
Atrioventricular septal defect 5 (AVSD5). Identifiers: MedGen C3280939, MONDO:0013769, OMIM 614474.

Allele frequency attached by ClinVar (database versions not stated): gnomAD exomes below 0.00001.

Submission:

Labcorp Genetics (formerly Invitae), Labcorp
Classification: Uncertain significance for Atrioventricular septal defect 5. Last evaluated: 2023-07-03. Review status: criteria provided, single submitter. Criteria: Invitae Variant Classification Sherloc (09022015). Collection method: clinical testing. Allele origin: germline.
Comment: In summary, the available evidence is currently insufficient to determine the role of this variant in disease. Therefore, it has been classified as a Variant of Uncertain Significance. Experimental studies and prediction algorithms are not available or were not evaluated, and the functional significance of this variant is currently unknown. This variant has not been reported in the literature in individuals affected with GATA6-related conditions. This variant is not present in population databases (gnomAD no frequency). This variant, c.991_992insTGG, is a complex sequence change that results in the deletion of 1 and insertion of 2 amino acid(s) in the GATA6 protein (p.His331delinsLeuAsp).

NM_005257.6(GATA6):c.991_992insTGG (p.His331delinsLeuAsp)

Gene: GATA6 (GATA binding protein 6; plus strand). Cytogenetic location: 18q11.2.
Variant type: Insertion.
Coding change: c.991_992insTGG on transcript NM_005257.6 (MANE Select); coding-DNA positions 991 to 992, TGG inserted.
Protein change: p.His331delinsLeuAsp.
Molecular consequence: inframe indel.
Genome position: GRCh38 VCF-style: chr18-22172135-C-CTGG. GRCh37 (hg19) VCF-style: chr18-19752096-C-CTGG.
Identifiers: ClinVar variation 2735570 (VCV002735570.3), dbSNP rs2510626795, ClinGen allele CA2641239132.
Genomic context (GRCh38, chr18:22,172,135, plus strand): 5'-AGCTCGCTGTCGGCCGCGCGGCCGCTGAACGGGACGTACCACCACCACCACCACCACCAC[C>CTGG]ACCACCATCCGAGCCCCTACTCGCCCTACGTGGGGGCGCCACTGACGCCTGCCTGGCCCG-3'